The following is an entry in ClinVar:

NM_001267550.2(TTN):c.39043+4T>C

Gene: TTN (titin; minus strand). Cytogenetic location: 2q31.2.
Variant type: single nucleotide variant.
Coding change: c.39043+4T>C on transcript NM_001267550.2 (MANE Select); 4 bases into the intron after coding-DNA position 39043, T replaced by C.
Molecular consequence: intron variant.
Genome position (GRCh38, 1-based): chr2:178,652,649, A>G on the plus strand (T>C on the coding strand, the complement: TTN is on the minus strand). VCF-style: chr2-178652649-A-G. GRCh37 (hg19) VCF-style: chr2-179517376-A-G.
Other names: c.13283-10332T>C (NM_003319.4); c.13859-10332T>C (NM_133437.4); c.13658-10332T>C (NM_133432.3); c.31742-108T>C (NM_133378.4); c.34523-108T>C (NM_001256850.1).
Identifiers: ClinVar variation 958894 (VCV000958894.10), dbSNP rs2063256186, ClinGen allele CA1139657485.

ClinVar aggregate classification (germline): Uncertain significance (1 of 4 stars; one submission).

Conditions:
Dilated cardiomyopathy 1G (CMD1G). Identifiers: Orphanet 154, MedGen C1858763, MONDO:0011400, OMIM 604145.
Autosomal recessive limb-girdle muscular dystrophy type 2J (LGMDR10). Also called: Limb-girdle muscular dystrophy, type 2J; MUSCULAR DYSTROPHY, LIMB-GIRDLE, AUTOSOMAL RECESSIVE 10. Identifiers: Orphanet 140922, MedGen C1837342, MONDO:0012127, OMIM 608807.

Allele frequency attached by ClinVar (database versions not stated): TOPMed below 0.00001; gnomAD 0.00001; 1000 Genomes Project 30x 0.00031.
gnomAD v4.1: 1 of 1,612,908 alleles (0.000062%); highest among the groups gnomAD compares: Admixed American, 0.0017%; no homozygotes.

Submission:

Labcorp Genetics (formerly Invitae), Labcorp
Classification: Uncertain significance for Dilated cardiomyopathy 1G; Autosomal recessive limb-girdle muscular dystrophy type 2J. Last evaluated: 2026-01-06. Review status: criteria provided, single submitter. Criteria: Invitae Variant Classification Sherloc (09022015). Collection method: clinical testing. Allele origin: germline.
Comment: This sequence change falls in intron 201 of the TTN gene. It does not directly change the encoded amino acid sequence of the TTN protein. It affects a nucleotide within the consensus splice site. This variant is not present in population databases (gnomAD no frequency). This variant has not been reported in the literature in individuals affected with TTN-related conditions. ClinVar contains an entry for this variant (Variation ID: 958894). Variants that disrupt the consensus splice site are a relatively common cause of aberrant splicing (PMID: 17576681, 9536098). Algorithms developed to predict the effect of sequence changes on RNA splicing suggest that this variant is not likely to affect RNA splicing. In summary, the available evidence is currently insufficient to determine the role of this variant in disease. Therefore, it has been classified as a Variant of Uncertain Significance.

Literature cited by the submitters: PubMed 17576681; PubMed 9536098.